The following is an entry in ClinVar:

ClinVar aggregate classification (germline): Conflicting classifications of pathogenicity. Review status: criteria provided, conflicting classifications (1 of 4 stars). 2 submissions from 2 submitters: Likely pathogenic (1); Uncertain significance (1). Last evaluated 2025-03-04.

Conditions:
MHC class I deficiency. Identifiers: Orphanet 34592, MedGen C6024714, MONDO:0011476.

gnomAD v4.1: 7 of 1,612,590 alleles (0.00043%); highest among the groups gnomAD compares: Admixed American, 0.0017%; no homozygotes.

Submissions (2):

Labcorp Genetics (formerly Invitae), Labcorp
Classification: Uncertain significance for MHC class I deficiency 1. Last evaluated: 2025-03-04. Review status: criteria provided, single submitter. Criteria: Invitae Variant Classification Sherloc (09022015). Collection method: clinical testing. Allele origin: germline.
Comment: This sequence change replaces glycine, which is neutral and non-polar, with aspartic acid, which is acidic and polar, at codon 706 of the TAP1 protein (p.Gly706Asp). This variant is present in population databases (no rsID available, gnomAD 0.003%). This variant has not been reported in the literature in individuals affected with TAP1-related conditions. ClinVar contains an entry for this variant (Variation ID: 1339543). An algorithm developed to predict the effect of missense changes on protein structure and function (PolyPhen-2) suggests that this variant is likely to be disruptive. Experimental studies have shown that this missense change affects TAP1 function (PMID: 15897556). In summary, the available evidence is currently insufficient to determine the role of this variant in disease. Therefore, it has been classified as a Variant of Uncertain Significance.

Genomics Facility, Ludwig-Maximilians-Universität München
Classification: Likely pathogenic for MHC class I deficiency 1. Last evaluated: 2021-12-28. Review status: criteria provided, single submitter. Criteria: ACMG Guidelines, 2015. Collection method: clinical testing. Allele origin: unknown. Inheritance: Autosomal recessive inheritance. Affected: yes.

Literature cited by the submitters: PubMed 15897556 (cited by Labcorp Genetics (formerly Invitae), Labcorp).

NM_000593.6(TAP1):c.1937G>A (p.Gly646Asp)

Gene: TAP1 (transporter 1, ATP binding cassette subfamily B member; minus strand). Cytogenetic location: 6p21.32.
Variant type: single nucleotide variant.
Coding change: c.1937G>A on transcript NM_000593.6 (MANE Select); coding-DNA position 1937, G replaced by A.
Protein change: p.Gly646Asp; replaces glycine 646 with aspartic acid.
Molecular consequence: missense variant.
Genome position (GRCh38, 1-based): chr6:32,847,171, C>T on the plus strand (G>A on the coding strand, the complement: TAP1 is on the minus strand). VCF-style: chr6-32847171-C-T. GRCh37 (hg19) VCF-style: chr6-32814948-C-T.
Other names: c.1334G>A, p.Gly445Asp (NM_001292022.2); short protein forms G445D, G646D.
Identifiers: ClinVar variation 1339543 (VCV001339543.5), dbSNP rs765527607, ClinGen allele CA363590887.